The following is an entry in ClinVar:

ClinVar aggregate classification (germline): Pathogenic (1 of 4 stars; one submission).

Conditions:
Telangiectasia, hereditary hemorrhagic, type 2 (HHT2). Also called: Telangiectasia, hereditary hemorrhagic, type II; ACVRL1-Related Hereditary Hemorrhagic Telangiectasia. Identifiers: Orphanet 774, MedGen C1838163, MONDO:0010880, OMIM 600376. Disease mechanism: loss of function.

Submission:

Labcorp Genetics (formerly Invitae), Labcorp
Classification: Pathogenic for Telangiectasia, hereditary hemorrhagic, type 2. Last evaluated: 2025-08-30. Review status: criteria provided, single submitter. Criteria: Invitae Variant Classification Sherloc (09022015). Collection method: clinical testing. Allele origin: germline.
Comment: This sequence change creates a premature translational stop signal (p.Trp221*) in the ACVRL1 gene. It is expected to result in an absent or disrupted protein product. Loss-of-function variants in ACVRL1 are known to be pathogenic (PMID: 15879500). This variant is not present in population databases (gnomAD no frequency). This premature translational stop signal has been observed in individual(s) with hereditary hemorrhagic telangiectasia (PMID: 21158752). Algorithms developed to predict the effect of sequence changes on RNA splicing suggest that this variant may disrupt the consensus splice site. For these reasons, this variant has been classified as Pathogenic.

Literature cited by the submitters: PubMed 15879500; PubMed 21158752.

NM_000020.3(ACVRL1):c.662G>A (p.Trp221Ter)

Gene: ACVRL1 (activin A receptor like type 1; plus strand). Cytogenetic location: 12q13.13.
Variant type: single nucleotide variant.
Coding change: c.662G>A on transcript NM_000020.3 (MANE Select); coding-DNA position 662, G replaced by A.
Protein change: p.Trp221Ter; replaces tryptophan 221 with a stop codon.
Molecular consequence: nonsense.
Genome position (GRCh38, 1-based): chr12:51,914,475, G>A. VCF-style: chr12-51914475-G-A. GRCh37 (hg19) VCF-style: chr12-52308259-G-A.
Other names: c.662G>A, p.Trp221Ter (NM_001077401.2, NM_001406487.1, NM_001406488.1 and 1 more transcripts); c.350G>A, p.Trp117Ter (NM_001406490.1, NM_001406491.1, NM_001406492.1 and 2 more transcripts); c.98G>A, p.Trp33Ter (NM_001406495.1); short protein forms W117*, W221*, W33*.
Identifiers: ClinVar variation 4709970 (VCV004709970.1).